The following is an entry in ClinVar:

NM_021870.3(FGG):c.502A>G (p.Thr168Ala)

Gene: FGG (fibrinogen gamma chain; minus strand). Cytogenetic location: 4q32.1.
Variant type: single nucleotide variant.
Coding change: c.502A>G on transcript NM_021870.3 (MANE Select); coding-DNA position 502, A replaced by G.
Protein change: p.Thr168Ala; replaces threonine 168 with alanine.
Molecular consequence: missense variant.
Genome position (GRCh38, 1-based): chr4:154,610,097, T>C on the plus strand (A>G on the coding strand, the complement: FGG is on the minus strand). VCF-style: chr4-154610097-T-C. GRCh37 (hg19) VCF-style: chr4-155531249-T-C.
Other names: c.502A>G, p.Thr168Ala (NM_000509.6); short protein forms T168A.
Identifiers: ClinVar variation 347829 (VCV000347829.7), dbSNP rs141559764, ClinGen allele CA3115638.

ClinVar aggregate classification (germline): Uncertain significance. Review status: criteria provided, multiple submitters, no conflicts (2 of 4 stars). 3 submissions from 3 submitters: Uncertain significance (3). Last evaluated 2025-06-26.

Conditions:
Congenital afibrinogenemia. Identifiers: Orphanet 335, Orphanet 98880, MedGen C2584774, MONDO:0008737, OMIM 202400.

Allele frequency attached by ClinVar (database versions not stated): gnomAD 0.00001; TOPMed 0.00003; ExAC 0.00004; gnomAD exomes 0.00006; ESP Exome Variant Server 0.00008.
gnomAD v4.1: 31 of 1,613,786 alleles (0.0019%); highest among the groups gnomAD compares: Non-Finnish European, 0.00076%; no homozygotes.

Submissions (3):

Labcorp Genetics (formerly Invitae), Labcorp
Classification: Uncertain significance. Last evaluated: 2025-06-26. Review status: criteria provided, single submitter. Criteria: Invitae Variant Classification Sherloc (09022015). Collection method: clinical testing. Allele origin: germline.
Comment: This sequence change replaces threonine, which is neutral and polar, with alanine, which is neutral and non-polar, at codon 168 of the FGG protein (p.Thr168Ala). This variant is present in population databases (rs141559764, gnomAD 0.1%). This variant has not been reported in the literature in individuals affected with FGG-related conditions. ClinVar contains an entry for this variant (Variation ID: 347829). Invitae Evidence Modeling of protein sequence and biophysical properties (such as structural, functional, and spatial information, amino acid conservation, physicochemical variation, residue mobility, and thermodynamic stability) indicates that this missense variant is not expected to disrupt FGG protein function with a negative predictive value of 80%. In summary, the available evidence is currently insufficient to determine the role of this variant in disease. Therefore, it has been classified as a Variant of Uncertain Significance.

Center for Genomic Medicine, Rigshospitalet, Copenhagen University Hospital
Classification: Uncertain significance. Last evaluated: 2025-03-04. Review status: criteria provided, single submitter. Criteria: ACMG Guidelines, 2015. Collection method: clinical testing. Allele origin: germline.
Comment: Classification criteria: PM2_Supporting

Illumina Laboratory Services, Illumina
Classification: Uncertain significance for Congenital afibrinogenemia. Last evaluated: 2018-01-13. Review status: criteria provided, single submitter. Criteria: ICSL Variant Classification Criteria 13 December 2019. Collection method: clinical testing. Allele origin: germline.